The following is an entry in ClinVar:

NM_000535.7(PMS2):c.7C>T (p.Arg3Ter)

Gene: PMS2 (PMS1 homolog 2, mismatch repair system component; minus strand). Cytogenetic location: 7p22.1.
Variant type: single nucleotide variant.
Coding change: c.7C>T on transcript NM_000535.7 (MANE Select); coding-DNA position 7, C replaced by T.
Protein change: p.Arg3Ter; replaces arginine 3 with a stop codon.
Molecular consequence: nonsense. On other transcripts: 5 prime UTR variant (11), non-coding transcript variant (1).
Genome position (GRCh38, 1-based): chr7:6,009,013, G>A on the plus strand (C>T on the coding strand, the complement: PMS2 is on the minus strand). VCF-style: chr7-6009013-G-A. GRCh37 (hg19) VCF-style: chr7-6048644-G-A.
Other names: c.7C>T (NM_000535.6); c.-394C>T (NM_001322003.2, NM_001322013.2); c.-259C>T (NM_001322004.2, NM_001322010.2); c.-589C>T (NM_001322005.2); c.7C>T, p.Arg3Ter (NM_001322006.2, NM_001322014.2); c.-209C>T (NM_001322007.2); c.-69C>T (NM_001322008.2); c.-584C>T (NM_001322009.2); and 3 more; short protein forms R3*.
Identifiers: ClinVar variation 234658 (VCV000234658.21), dbSNP rs763939668, ClinGen allele CA10577360.

ClinVar aggregate classification (germline): Pathogenic/Likely pathogenic. Review status: criteria provided, multiple submitters, no conflicts (2 of 4 stars). 8 submissions from 8 submitters: Pathogenic (7); Likely pathogenic (1). Last evaluated 2025-10-16.

Conditions:
Breast-ovarian cancer, familial, susceptibility to, 1 (BROVCA1). Also called: BRCA1 Hereditary Breast and Ovarian Cancer; OVARIAN CANCER, SUSCEPTIBILITY TO. Identifiers: Orphanet 145, MedGen C2676676, MONDO:0011450, OMIM 604370. Disease mechanism: loss of function.
Hereditary cancer-predisposing syndrome. Also called: Tumor predisposition; Hereditary Cancer Syndrome; Neoplastic Syndromes, Hereditary; Hereditary neoplastic syndrome. Identifiers: Orphanet 140162, MedGen C0027672, MeSH D009386, MONDO:0015356.
Lynch syndrome 4 (LYNCH4). Also called: Colorectal cancer, hereditary nonpolyposis, type 4; Hereditary non-polyposis colorectal cancer, type 4. Identifiers: Orphanet 144, MedGen C1838333, MONDO:0013699, OMIM 614337. Disease mechanism: loss of function.
Hereditary nonpolyposis colorectal neoplasms. Identifiers: MedGen C0009405, MeSH D003123.

Allele frequency attached by ClinVar (database versions not stated): 1000 Genomes Project 30x 0.00016.
gnomAD v4.1: 2 of 1,612,530 alleles (0.00012%); highest among the groups gnomAD compares: Non-Finnish European, 0.00017%; no homozygotes.

Submissions (8):

Institute of Immunology and Genetics Kaiserslautern
Classification: Pathogenic for Breast-ovarian cancer, familial, susceptibility to, 1. Last evaluated: 2025-10-16. Review status: criteria provided, single submitter. Criteria: ACMG Guidelines, 2015. Collection method: clinical testing. Allele origin: germline. Affected: no.
Comment: ACMG Criteria: PVS1, PM2, PP5 ; Variant was found in heterozygous state.

Ambry Genetics
Classification: Pathogenic for Hereditary cancer-predisposing syndrome. Last evaluated: 2025-01-02. Review status: criteria provided, single submitter. Criteria: Ambry Variant Classification Scheme 2023. Collection method: clinical testing. Allele origin: germline.
Comment: The p.R3* pathogenic mutation (also known as c.7C>T), located in coding exon 1 of the PMS2 gene, results from a C to T substitution at nucleotide position 7. This changes the amino acid from an arginine to a stop codon within coding exon 1. This alteration was reported in a cohort of women undergoing multigene panel testing for hereditary cancer risk (Roberts ME et al. Genet Med, 2018 10;20:1167-1174). This variant is considered to be rare based on population cohorts in the Genome Aggregation Database (gnomAD). In addition to the clinical data presented in the literature, this alteration is expected to result in loss of function by premature protein truncation or nonsense-mediated mRNA decay. As such, this alteration is interpreted as a disease-causing mutation.

GeneDx
Classification: Pathogenic. Last evaluated: 2024-08-25. Review status: criteria provided, single submitter. Criteria: GeneDx Variant Classification Process June 2021. Collection method: clinical testing. Allele origin: germline. Affected: yes.
Comment: Observed in individual(s) with Lynch-associated cancers and tumor studies consistent with pathogenic variants in this gene (PMID: 31992580); Nonsense variant predicted to result in protein truncation or nonsense mediated decay in a gene for which loss of function is a known mechanism of disease; Not observed at significant frequency in large population cohorts (gnomAD); Truncating variants in this gene are considered pathogenic by a well-established clinical consortium and/or database; This variant is associated with the following publications: (PMID: 37881859, 31992580, 29345684)

Labcorp Genetics (formerly Invitae), Labcorp
Classification: Pathogenic for Hereditary nonpolyposis colorectal neoplasms. Last evaluated: 2024-05-23. Review status: criteria provided, single submitter. Criteria: Invitae Variant Classification Sherloc (09022015). Collection method: clinical testing. Allele origin: germline.
Comment: This sequence change creates a premature translational stop signal (p.Arg3*) in the PMS2 gene. It is expected to result in an absent or disrupted protein product. Loss-of-function variants in PMS2 are known to be pathogenic (PMID: 21376568, 24362816). This variant is not present in population databases (gnomAD no frequency). This variant has not been reported in the literature in individuals affected with PMS2-related conditions. ClinVar contains an entry for this variant (Variation ID: 234658). For these reasons, this variant has been classified as Pathogenic.

Myriad Genetics, Inc.
Classification: Pathogenic for Lynch syndrome 4. Last evaluated: 2023-09-15. Review status: criteria provided, single submitter. Criteria: Myriad Autosomal Dominant, Autosomal Recessive and X-Linked Classification Criteria (2023). Collection method: clinical testing. Allele origin: unknown.
Comment: This variant is considered pathogenic. This variant creates a termination codon and is predicted to result in premature protein truncation.

Revvity Omics, Revvity
Classification: Likely pathogenic. Last evaluated: 2022-04-15. Review status: criteria provided, single submitter. Criteria: ACMG Guidelines, 2015. Collection method: clinical testing. Allele origin: germline.

Baylor Genetics
Classification: Pathogenic for Lynch syndrome 4. Last evaluated: 2021-09-22. Review status: criteria provided, single submitter. Criteria: ACMG Guidelines, 2015. Collection method: clinical testing. Allele origin: unknown.

Juno Genomics, Hangzhou Juno Genomics, Inc
Classification: Pathogenic for Lynch syndrome 4. Review status: criteria provided, single submitter. Criteria: ACMG Guidelines, 2015. Collection method: clinical testing. Allele origin: germline. Affected: yes.
Comment: Absent from controls (or at extremely low frequency if recessive) in Genome Aggregation Database, Exome Sequencing Project, 1000 Genomes Project, or Exome Aggregation Consortium.;Null variant in a gene where loss of function (LOF) is a known mechanism of disease.;Patient's phenotype or family history is highly specific for a disease with a single genetic etiology.

Literature cited by the submitters: PubMed 29345684 (cited by Ambry Genetics); PubMed 31992580 (cited by Ambry Genetics); PubMed 21376568 (cited by Labcorp Genetics (formerly Invitae), Labcorp); PubMed 24362816 (cited by Labcorp Genetics (formerly Invitae), Labcorp).